The following is an entry in ClinVar:

NM_000426.4(LAMA2):c.3038-156A>G

Gene: LAMA2 (laminin subunit alpha 2; plus strand). Cytogenetic location: 6q22.33.
Variant type: single nucleotide variant.
Coding change: c.3038-156A>G on transcript NM_000426.4 (MANE Select); 156 bases into the intron before coding-DNA position 3038, A replaced by G.
Molecular consequence: intron variant.
Genome position (GRCh38, 1-based): chr6:129,300,580, A>G. VCF-style: chr6-129300580-A-G. GRCh37 (hg19) VCF-style: chr6-129621725-A-G.
Other names: c.3038-156A>G (NM_001079823.2).
Identifiers: ClinVar variation 682914 (VCV000682914.1), dbSNP rs3798666, ClinGen allele CA146902781.
Genomic context (GRCh38, chr6:129,300,580, plus strand): 5'-AAATGAAATACATCTTATATTTATTGAACAGCTCCTTTCTGAAATACATTGTACTATAAT[A>G]TAAAAGATGAATGAAGTAAGTTTTTATTTCCAAATATCCTTAAGTGTAGAACTGAAAAGA-3'

ClinVar aggregate classification (germline): Benign (1 of 4 stars; one submission).

Allele frequency attached by ClinVar (database versions not stated): gnomAD 0.21197 and 0.21514; TOPMed 0.23310; 1000 Genomes Project 30x 0.31402; 1000 Genomes Project 0.31550.
gnomAD v4.1: 32,663 of 152,136 alleles (21%); highest among the groups gnomAD compares: East Asian, 56%; 4,553 homozygotes.

Submission:

GeneDx
Classification: Benign. Last evaluated: 2018-06-18. Review status: criteria provided, single submitter. Criteria: GeneDx Variant Classification (06012015). Collection method: clinical testing. Allele origin: germline. Affected: yes.
Comment: This variant is considered likely benign or benign based on one or more of the following criteria: it is a conservative change, it occurs at a poorly conserved position in the protein, it is predicted to be benign by multiple in silico algorithms, and/or has population frequency not consistent with disease.